The following is an entry in ClinVar:

NM_001253852.3(AP4B1):c.1559G>A (p.Arg520His)

Genes: AP4B1 (adaptor related protein complex 4 subunit beta 1; minus strand), AP4B1-AS1 (AP4B1 antisense RNA 1; plus strand). Cytogenetic location: 1p13.2.
Variant type: single nucleotide variant.
Coding change: c.1559G>A on transcript NM_001253852.3 (MANE Select); coding-DNA position 1559, G replaced by A.
Protein change: p.Arg520His; replaces arginine 520 with histidine.
Molecular consequence: missense variant.
Genome position (GRCh38, 1-based): chr1:113,895,990, C>T on the plus strand (G>A on the coding strand, the complement: AP4B1 is on the minus strand). VCF-style: chr1-113895990-C-T. GRCh37 (hg19) VCF-style: chr1-114438612-C-T.
Other names: c.1262G>A, p.Arg421His (NM_001253853.3); c.1055G>A, p.Arg352His (NM_001308312.2); c.1559G>A, p.Arg520His (NM_006594.5); short protein forms R520H, R352H, R421H.
Identifiers: ClinVar variation 589396 (VCV000589396.12), dbSNP rs763842373, ClinGen allele CA1015754.

ClinVar aggregate classification (germline): Uncertain significance. Review status: criteria provided, multiple submitters, no conflicts (2 of 4 stars). 3 submissions from 3 submitters: Uncertain significance (3). Last evaluated 2024-10-23.

Conditions:
Inborn genetic diseases. Identifiers: MedGen C0950123, MeSH D030342.
Hereditary spastic paraplegia 47. Also called: CEREBRAL PALSY, SPASTIC QUADRIPLEGIC, 5; Spastic paraplegia 47, autosomal recessive; adaptor protein 4 (AP-4) deficiency syndrome. Identifiers: Orphanet 280763, MedGen C3279738, MONDO:0013551, OMIM 614066.

Allele frequency attached by ClinVar (database versions not stated): TOPMed 0.00003; gnomAD 0.00004; gnomAD exomes 0.00006; ExAC 0.00007.

Submissions (3):

Labcorp Genetics (formerly Invitae), Labcorp
Classification: Uncertain significance for Hereditary spastic paraplegia 47. Last evaluated: 2024-10-23. Review status: criteria provided, single submitter. Criteria: Invitae Variant Classification Sherloc (09022015). Collection method: clinical testing. Allele origin: germline.
Comment: This sequence change replaces arginine, which is basic and polar, with histidine, which is basic and polar, at codon 520 of the AP4B1 protein (p.Arg520His). This variant is present in population databases (rs763842373, gnomAD 0.04%). This variant has not been reported in the literature in individuals affected with AP4B1-related conditions. ClinVar contains an entry for this variant (Variation ID: 589396). Invitae Evidence Modeling of protein sequence and biophysical properties (such as structural, functional, and spatial information, amino acid conservation, physicochemical variation, residue mobility, and thermodynamic stability) indicates that this missense variant is expected to disrupt AP4B1 protein function with a positive predictive value of 80%. In summary, the available evidence is currently insufficient to determine the role of this variant in disease. Therefore, it has been classified as a Variant of Uncertain Significance.

Genome-Nilou Lab
Classification: Uncertain significance for Hereditary spastic paraplegia 47. Last evaluated: 2023-04-11. Review status: criteria provided, single submitter. Criteria: ACMG Guidelines, 2015. Collection method: clinical testing. Allele origin: germline. Affected: no.

Ambry Genetics
Classification: Uncertain significance for Inborn genetic diseases. Last evaluated: 2016-09-16. Review status: criteria provided, single submitter. Criteria: Ambry Variant Classification Scheme 2023. Collection method: clinical testing. Allele origin: germline.
Comment: The p.R520H variant (also known as c.1559G>A), located in coding exon 9 of the AP4B1 gene, results from a G to A substitution at nucleotide position 1559. The arginine at codon 520 is replaced by histidine, an amino acid with highly similar properties. This variant was not reported in population based cohorts in the following databases: Database of Single Nucleotide Polymorphisms (dbSNP), NHLBI Exome Sequencing Project (ESP), and 1000 Genomes Project. In the ESP, this variant was not observed in 6503 samples (13006 alleles) with coverage at this position. This amino acid position is highly conserved in available vertebrate species. In addition, this alteration is predicted to be deleterious by in silico analysis. Since supporting evidence is limited at this time, the clinical significance of this alteration remains unclear.